The following is an entry in ClinVar:

NM_000346.4(SOX9):c.1351_1360del (p.Tyr451fs)

Gene: SOX9 (SRY-box transcription factor 9; plus strand). Cytogenetic location: 17q24.3.
Variant type: Deletion.
Coding change: c.1351_1360del on transcript NM_000346.4 (MANE Select); coding-DNA positions 1351 to 1360, 10 bases deleted (TACTACAGCC; older notation c.1351_1360delTACTACAGCC).
Protein change: p.Tyr451fs; shifts the reading frame from tyrosine 451.
Molecular consequence: frameshift variant.
Genome position (GRCh38, 1-based): chr17:72,124,208-72,124,217, TACTACAGCC deleted; deleting any 10 consecutive bases within chr17:72,124,206-72,124,217 gives the same sequence; the c. name uses the placement nearest the transcript's 3' end. VCF-style (leftmost placement, unchanged base first): chr17-72124205-TCCTACTACAG-T. GRCh37 (hg19) VCF-style: chr17-70120346-TCCTACTACAG-T.
Other names: short protein forms Y451fs.
Identifiers: ClinVar variation 2921180 (VCV002921180.1), dbSNP rs2509627304, ClinGen allele CA2739268349.
Genomic context (GRCh38, chr17:72,124,205, plus strand): 5'-CCCTCCTACCCGCCCATCACCCGCTCACAGTACGACTACACCGACCACCAGAACTCCAGC[TCCTACTACAG>T]CCACGCGGCAGGCCAGGGCACCGGCCTCTACTCCACCTTCACCTACATGAACCCCGCTCA-3'

ClinVar aggregate classification (germline): Pathogenic (1 of 4 stars; one submission).

Submission:

ARUP Laboratories, Molecular Genetics and Genomics, ARUP Laboratories
Classification: Pathogenic. Last evaluated: 2023-04-27. Review status: criteria provided, single submitter. Criteria: ARUP Molecular Germline Variant Investigation Process 2024. Collection method: clinical testing. Allele origin: germline.
Comment: The SOX9 c.1351_1360del; p.Tyr451ThrfsTer16 variant, to our knowledge, is not reported in the medical literature or gene specific databases. This variant is also absent from the Genome Aggregation Database, indicating it is not a common polymorphism. This variant results in a premature termination codon in the last exon of the SOX9 gene. While this may not lead to nonsense-mediated decay, it is expected to create a truncated SOX9 protein. Additionally, downstream truncating variants have been described in individuals with campomelic dysplasia and are considered causative (Kim 2011, Kwok 1995). Based on available information, this variant is considered to be pathogenic. References: Kim HY et al. A case of campomelic dysplasia without sex reversal. J Korean Med Sci. 2011 Jan;26(1):143-5. PMID: 21218044. Kwok C et al. Mutations in SOX9, the gene responsible for Campomelic dysplasia and autosomal sex reversal. Am J Hum Genet. 1995 Nov;57(5):1028-36. PMID: 7485151.